The following is an entry in ClinVar:

NM_020937.4(FANCM):c.2750T>C (p.Ile917Thr)

Gene: FANCM (FA complementation group M; plus strand). Cytogenetic location: 14q21.2.
Variant type: single nucleotide variant.
Coding change: c.2750T>C on transcript NM_020937.4 (MANE Select); coding-DNA position 2750, T replaced by C.
Protein change: p.Ile917Thr; replaces isoleucine 917 with threonine.
Molecular consequence: missense variant.
Genome position (GRCh38, 1-based): chr14:45,175,504, T>C. VCF-style: chr14-45175504-T-C. GRCh37 (hg19) VCF-style: chr14-45644707-T-C.
Other names: c.2672T>C, p.Ile891Thr (NM_001308133.2); short protein forms I891T, I917T.
Identifiers: ClinVar variation 835931 (VCV000835931.9), dbSNP rs753772148, ClinGen allele CA7169404.

ClinVar aggregate classification (germline): Uncertain significance (1 of 4 stars; one submission).

Conditions:
Fanconi anemia (FA). Also called: Fanconi's anemia. Identifiers: Orphanet 84, MedGen C0015625, MeSH D005199, MONDO:0019391.

Allele frequency attached by ClinVar (database versions not stated): gnomAD exomes below 0.00001; ExAC 0.00001; gnomAD 0.00001.
gnomAD v4.1: 4 of 1,612,850 alleles (0.00025%); highest among the groups gnomAD compares: Non-Finnish European, 0.00034%; no homozygotes.

Submission:

Labcorp Genetics (formerly Invitae), Labcorp
Classification: Uncertain significance for Fanconi anemia. Last evaluated: 2022-02-19. Review status: criteria provided, single submitter. Criteria: Invitae Variant Classification Sherloc (09022015). Collection method: clinical testing. Allele origin: germline.
Comment: This sequence change replaces isoleucine, which is neutral and non-polar, with threonine, which is neutral and polar, at codon 917 of the FANCM protein (p.Ile917Thr). This variant is present in population databases (rs753772148, gnomAD 0.0009%). This variant has not been reported in the literature in individuals affected with FANCM-related conditions. ClinVar contains an entry for this variant (Variation ID: 835931). Algorithms developed to predict the effect of missense changes on protein structure and function (SIFT, PolyPhen-2, Align-GVGD) all suggest that this variant is likely to be tolerated. In summary, the available evidence is currently insufficient to determine the role of this variant in disease. Therefore, it has been classified as a Variant of Uncertain Significance.